The following is an entry in ClinVar:

ClinVar aggregate classification (germline): Uncertain significance. Review status: criteria provided, multiple submitters, no conflicts (2 of 4 stars). 2 submissions from 2 submitters: Uncertain significance (2). Last evaluated 2025-01-13.

Allele frequency attached by ClinVar (database versions not stated): ExAC 0.00003; gnomAD 0.00001; gnomAD exomes 0.00002; TOPMed 0.00002.
gnomAD v4.1: 26 of 1,612,902 alleles (0.0016%); highest among the groups gnomAD compares: Non-Finnish European, 0.0021%; no homozygotes.

Submissions (2):

Women's Health and Genetics/Laboratory Corporation of America, LabCorp
Classification: Uncertain significance. Last evaluated: 2025-01-13. Review status: criteria provided, single submitter. Criteria: LabCorp Variant Classification Summary - May 2015. Collection method: clinical testing. Allele origin: germline.
Comment: Variant summary: MCM3AP c.5323T>C (p.Cys1775Arg) results in a non-conservative amino acid change in the encoded protein sequence. Two of four in-silico tools predict a benign effect of the variant on protein function. The variant allele was found at a frequency of 2.4e-05 in 250262 control chromosomes. The available data on variant occurrences in the general population are insufficient to allow any conclusion about variant significance. To our knowledge, no occurrence of c.5323T>C in individuals affected with Peripheral neuropathy, autosomal recessive, with or without impaired intellectual development and no experimental evidence demonstrating its impact on protein function have been reported. ClinVar contains an entry for this variant (Variation ID: 2171351). Based on the evidence outlined above, the variant was classified as uncertain significance.

Labcorp Genetics (formerly Invitae), Labcorp
Classification: Uncertain significance. Last evaluated: 2022-01-15. Review status: criteria provided, single submitter. Criteria: Invitae Variant Classification Sherloc (09022015). Collection method: clinical testing. Allele origin: germline.
Comment: This sequence change replaces cysteine, which is neutral and slightly polar, with arginine, which is basic and polar, at codon 1775 of the MCM3AP protein (p.Cys1775Arg). This variant is present in population databases (rs770902304, gnomAD 0.005%). This variant has not been reported in the literature in individuals affected with MCM3AP-related conditions. Algorithms developed to predict the effect of missense changes on protein structure and function are either unavailable or do not agree on the potential impact of this missense change (SIFT: "Tolerated"; PolyPhen-2: "Possibly Damaging"; Align-GVGD: "Class C0"). In summary, the available evidence is currently insufficient to determine the role of this variant in disease. Therefore, it has been classified as a Variant of Uncertain Significance.

NM_003906.5(MCM3AP):c.5323T>C (p.Cys1775Arg)

Genes: MCM3AP (minichromosome maintenance complex component 3 associated protein; minus strand), MCM3AP-AS1 (MCM3AP antisense RNA 1; plus strand). Cytogenetic location: 21q22.3.
Variant type: single nucleotide variant.
Coding change: c.5323T>C on transcript NM_003906.5 (MANE Select); coding-DNA position 5323, T replaced by C.
Protein change: p.Cys1775Arg; replaces cysteine 1775 with arginine.
Molecular consequence: missense variant. On other transcripts: non-coding transcript variant (2).
Genome position (GRCh38, 1-based): chr21:46,242,905, A>G on the plus strand (T>C on the coding strand, the complement: MCM3AP is on the minus strand). VCF-style: chr21-46242905-A-G. GRCh37 (hg19) VCF-style: chr21-47662819-A-G.
Other names: short protein forms C1775R.
Identifiers: ClinVar variation 2171351 (VCV002171351.3), dbSNP rs770902304, ClinGen allele CA10075882.
Genomic context (GRCh38, chr21:46,242,905, plus strand): 5'-CTTGTTCCCACGACAAAGGAACATCATATTTTTTCAAATCGTTTTTAAAAAAATACACAC[A>G]TATCTGACCATCTTCACTCAGCGCCTCTGAGAAAACAATACAAAAACAGATAAAGAGGCC-3'
Protein context (NP_003897.2, residues 1765-1785): SEALSEDGQI[Cys1775Arg]VYFFKNDLKK